The following is an entry in ClinVar:

ClinVar aggregate classification (germline): Uncertain significance (1 of 4 stars; one submission).

Conditions:
Dilated cardiomyopathy 1W (CMD1W). Identifiers: Orphanet 154, MedGen C1969639, MONDO:0012667, OMIM 611407.

Submission:

Labcorp Genetics (formerly Invitae), Labcorp
Classification: Uncertain significance for Dilated cardiomyopathy 1W. Last evaluated: 2025-07-12. Review status: criteria provided, single submitter. Criteria: Invitae Variant Classification Sherloc (09022015). Collection method: clinical testing. Allele origin: germline.
Comment: This sequence change falls in intron 17 of the VCL gene. It does not directly change the encoded amino acid sequence of the VCL protein. This variant is not present in population databases (gnomAD no frequency). This variant has not been reported in the literature in individuals affected with VCL-related conditions. Experimental studies and prediction algorithms are not available or were not evaluated, and the effect of this variant on mRNA splicing is currently unknown. In summary, the available evidence is currently insufficient to determine the role of this variant in disease. Therefore, it has been classified as a Variant of Uncertain Significance.

NM_014000.3(VCL):c.2560-216_2560-18delinsCAGGCGTGAGCCACCGCGCCCGGCC

Gene: VCL (vinculin; plus strand). Cytogenetic location: 10q22.2.
Variant type: Indel.
Coding change: c.2560-216_2560-18delinsCAGGCGTGAGCCACCGCGCCCGGCC on transcript NM_014000.3 (MANE Select); 216 bases into the intron before coding-DNA position 2560 through 18 bases into the intron before coding-DNA position 2560, the reference bases replaced by CAGGCGTGAGCCACCGCGCCCGGCC.
Molecular consequence: intron variant.
Genome position (GRCh38, 1-based): chr10:74,108,755-74,108,953, 199 bases replaced. GRCh37 (hg19): chr10:75,868,513-75,868,711.
Other names: c.2560-216_2560-18delinsCAGGCGTGAGCCACCGCGCCCGGCC (NM_003373.4).
Identifiers: ClinVar variation 4723027 (VCV004723027.1).